The following is an entry in ClinVar:

NM_003738.5(PTCH2):c.3584C>T (p.Ser1195Phe)

Gene: PTCH2 (patched 2; minus strand). Cytogenetic location: 1p34.1.
Variant type: single nucleotide variant.
Coding change: c.3584C>T on transcript NM_003738.5 (MANE Select); coding-DNA position 3584, C replaced by T.
Protein change: p.Ser1195Phe; replaces serine 1195 with phenylalanine.
Molecular consequence: missense variant. On other transcripts: intron variant (1).
Genome position (GRCh38, 1-based): chr1:44,822,443, G>A on the plus strand (C>T on the coding strand, the complement: PTCH2 is on the minus strand). VCF-style: chr1-44822443-G-A. GRCh37 (hg19) VCF-style: chr1-45288115-G-A.
Other names: c.3425+159C>T (NM_001166292.2); short protein forms S1195F.
Identifiers: ClinVar variation 2431791 (VCV002431791.5), dbSNP rs145536878, ClinGen allele CA822654.

ClinVar aggregate classification (germline): Uncertain significance. Review status: criteria provided, multiple submitters, no conflicts (2 of 4 stars). 2 submissions from 2 submitters: Uncertain significance (2). Last evaluated 2025-03-02.

Conditions:
Gorlin syndrome. Also called: Nevoid Basal Cell Carcinoma Syndrome; Basal cell nevus syndrome. Identifiers: Orphanet 377, MedGen C0004779, MONDO:0007187.
Breast carcinoma. Also called: Carcinoma of breast. Identifiers: MedGen C0678222, MONDO:0004989, HP:0003002.

Allele frequency attached by ClinVar (database versions not stated): gnomAD exomes 0.00001; ExAC 0.00002; TOPMed 0.00006; ESP Exome Variant Server 0.00015; gnomAD 0.00015.
gnomAD v4.1: 34 of 1,613,774 alleles (0.0021%); highest among the groups gnomAD compares: Admixed American, 0.03%; no homozygotes.

Submissions (2):

Labcorp Genetics (formerly Invitae), Labcorp
Classification: Uncertain significance for Gorlin syndrome. Last evaluated: 2025-03-02. Review status: criteria provided, single submitter. Criteria: Invitae Variant Classification Sherloc (09022015). Collection method: clinical testing. Allele origin: germline.
Comment: This sequence change replaces serine, which is neutral and polar, with phenylalanine, which is neutral and non-polar, at codon 1195 of the PTCH2 protein (p.Ser1195Phe). This variant is present in population databases (rs145536878, gnomAD 0.009%). This variant has not been reported in the literature in individuals affected with PTCH2-related conditions. ClinVar contains an entry for this variant (Variation ID: 2431791). An algorithm developed to predict the effect of missense changes on protein structure and function (PolyPhen-2) suggests that this variant is likely to be tolerated. In summary, the available evidence is currently insufficient to determine the role of this variant in disease. Therefore, it has been classified as a Variant of Uncertain Significance.

Laboratorio de Genetica e Diagnostico Molecular, Hospital Israelita Albert Einstein
Classification: Uncertain significance for Breast carcinoma. Last evaluated: 2022-09-16. Review status: criteria provided, single submitter. Criteria: ACMG Guidelines, 2015. Collection method: clinical testing. Allele origin: germline. Affected: yes. Observed: 1 variant allele.
Comment: ACMG classification criteria: PM2 supporting, BP4 supporting